The following is an entry in ClinVar:

NM_024700.4(SNIP1):c.1153G>A (p.Glu385Lys)

Gene: SNIP1 (Smad nuclear interacting protein 1; minus strand). Cytogenetic location: 1p34.3.
Variant type: single nucleotide variant.
Coding change: c.1153G>A on transcript NM_024700.4 (MANE Select); coding-DNA position 1153, G replaced by A.
Protein change: p.Glu385Lys; replaces glutamic acid 385 with lysine.
Molecular consequence: missense variant.
Genome position (GRCh38, 1-based): chr1:37,537,786, C>T on the plus strand (G>A on the coding strand, the complement: SNIP1 is on the minus strand). VCF-style: chr1-37537786-C-T. GRCh37 (hg19) VCF-style: chr1-38003387-C-T.
Other names: c.1153G>A (NM_024700.2); short protein forms E385K.
Identifiers: ClinVar variation 2913985 (VCV002913985.4), dbSNP rs1557623822, ClinGen allele CA339443730.
Genomic context (GRCh38, chr1:37,537,786, plus strand): 5'-AATAGTTTGGGTTCTTAGTTTGCTAGCTGTCAGACACTTCTTCCTCCTCCTCCTCATCCT[C>T]GTCATCTTTCCTGTCTATTTCAGAAGTGTCCGACGACTCATGGAGCAAGACGTATTCTCT-3'
Protein context (NP_078976.2, residues 375-395): DTSEIDRKDD[Glu385Lys]DEEEEEEVSD

ClinVar aggregate classification (germline): Uncertain significance. Review status: criteria provided, multiple submitters, no conflicts (2 of 4 stars). 2 submissions from 2 submitters: Uncertain significance (2). Last evaluated 2024-03-30.

Allele frequency attached by ClinVar (database versions not stated): gnomAD exomes below 0.00001.
gnomAD v4.1: 4 of 1,614,042 alleles (0.00025%); highest among the groups gnomAD compares: Non-Finnish European, 0.00025%; no homozygotes.

Submissions (2):

Ambry Genetics
Classification: Uncertain significance. Last evaluated: 2024-03-30. Review status: criteria provided, single submitter. Criteria: Ambry Variant Classification Scheme 2023. Collection method: clinical testing. Allele origin: germline.

Labcorp Genetics (formerly Invitae), Labcorp
Classification: Uncertain significance. Last evaluated: 2023-01-25. Review status: criteria provided, single submitter. Criteria: Invitae Variant Classification Sherloc (09022015). Collection method: clinical testing. Allele origin: germline.
Comment: This sequence change replaces glutamic acid, which is acidic and polar, with lysine, which is basic and polar, at codon 385 of the SNIP1 protein (p.Glu385Lys). This variant is present in population databases (no rsID available, gnomAD 0.006%). This variant has not been reported in the literature in individuals affected with SNIP1-related conditions. Algorithms developed to predict the effect of missense changes on protein structure and function are either unavailable or do not agree on the potential impact of this missense change (SIFT: "Tolerated"; PolyPhen-2: "Probably Damaging"; Align-GVGD: "Class C0"). In summary, the available evidence is currently insufficient to determine the role of this variant in disease. Therefore, it has been classified as a Variant of Uncertain Significance.